The following is an entry in ClinVar:

NM_000124.4(ERCC6):c.2792_2802del (p.Ile931fs)

Genes: ERCC6 (ERCC excision repair 6, chromatin remodeling factor; minus strand), LOC126860933 (BRD4-independent group 4 enhancer GRCh37_chr10:50679962-50681161; plus strand). Cytogenetic location: 10q11.23.
Variant type: Deletion.
Coding change: c.2792_2802del on transcript NM_000124.4 (MANE Select); coding-DNA positions 2792 to 2802, 11 bases deleted (TCTATGACCCA).
Protein change: p.Ile931fs; shifts the reading frame from isoleucine 931.
Molecular consequence: frameshift variant.
Genome position (GRCh38, 1-based): chr10:49,472,936-49,472,946, TGGGTCATAGA deleted on the plus strand (TCTATGACCCA on the coding strand, the reverse complement: ERCC6 is on the minus strand); deleting any 11 consecutive bases within chr10:49,472,936-49,472,948 gives the same sequence; the c. name uses the placement nearest the transcript's 3' end. VCF-style (leftmost placement, unchanged base first): chr10-49472935-CTGGGTCATAGA-C. GRCh37 (hg19) VCF-style: chr10-50680981-CTGGGTCATAGA-C.
Other names: c.2792_2802del, p.Ile931fs (NM_001346440.2); short protein forms I931fs.
Identifiers: ClinVar variation 1068941 (VCV001068941.10), dbSNP rs751623760, ClinGen allele CA5495531.

ClinVar aggregate classification (germline): Pathogenic/Likely pathogenic. Review status: criteria provided, multiple submitters, no conflicts (2 of 4 stars). 2 submissions from 2 submitters: Pathogenic (1); Likely pathogenic (1). Last evaluated 2026-01-19.

Conditions:
Cerebrooculofacioskeletal syndrome 1 (COFS1). Also called: Cerebro-oculo-facio-skeletal syndrome 1. Identifiers: MedGen C0220722, MONDO:0008955, OMIM 214150.
Age related macular degeneration 5. Identifiers: MedGen C3151063, MONDO:0013409, OMIM 613761.
Cockayne syndrome type 2 (CSB). Also called: COCKAYNE SYNDROME B; Cockayne Syndrome, Type II. Identifiers: Orphanet 191, Orphanet 90322, MedGen C0751038, MONDO:0019570, OMIM 133540.
Premature ovarian failure 11 (POF11). Identifiers: MedGen C4310783, MONDO:0014843, OMIM 616946.
DE SANCTIS-CACCHIONE SYNDROME. Identifiers: MedGen C0265201, MONDO:0010217, OMIM 278800.
UV-sensitive syndrome 1 (UVSS1). Identifiers: Orphanet 178338, MedGen C3551173, MONDO:0010909, OMIM 600630.
Lung cancer. Also called: Lung cancer, somatic; Malignant tumor of lung. Identifiers: MedGen C0242379, MONDO:0008903, OMIM 211980.

Submissions (2):

Labcorp Genetics (formerly Invitae), Labcorp
Classification: Pathogenic. Last evaluated: 2026-01-19. Review status: criteria provided, single submitter. Criteria: Invitae Variant Classification Sherloc (09022015). Collection method: clinical testing. Allele origin: germline.
Comment: This sequence change creates a premature translational stop signal (p.Ile931Argfs*35) in the ERCC6 gene. It is expected to result in an absent or disrupted protein product. Loss-of-function variants in ERCC6 are known to be pathogenic (PMID: 18628313, 29572252). This variant is present in population databases (rs751623760, gnomAD 0.0009%). This variant has not been reported in the literature in individuals affected with ERCC6-related conditions. ClinVar contains an entry for this variant (Variation ID: 1068941). For these reasons, this variant has been classified as Pathogenic.

Fulgent Genetics
Classification: Likely pathogenic for Cockayne syndrome type 2; Lung cancer; Cerebrooculofacioskeletal syndrome 1; DE SANCTIS-CACCHIONE SYNDROME; UV-sensitive syndrome 1; Age related macular degeneration 5; Premature ovarian failure 11. Last evaluated: 2024-01-23. Review status: criteria provided, single submitter. Criteria: ACMG Guidelines, 2015. Collection method: clinical testing. Allele origin: germline.

Literature cited by the submitters: PubMed 18628313 (cited by Labcorp Genetics (formerly Invitae), Labcorp); PubMed 29572252 (cited by Labcorp Genetics (formerly Invitae), Labcorp).